The following is an entry in ClinVar:

NM_152756.5(RICTOR):c.1568A>C (p.Asp523Ala)

Gene: RICTOR (RPTOR independent companion of MTOR complex 2; minus strand). Cytogenetic location: 5p13.1.
Variant type: single nucleotide variant.
Coding change: c.1568A>C on transcript NM_152756.5 (MANE Select); coding-DNA position 1568, A replaced by C.
Protein change: p.Asp523Ala; replaces aspartic acid 523 with alanine.
Molecular consequence: missense variant.
Genome position (GRCh38, 1-based): chr5:38,962,585, T>G on the plus strand (A>C on the coding strand, the complement: RICTOR is on the minus strand). VCF-style: chr5-38962585-T-G. GRCh37 (hg19) VCF-style: chr5-38962687-T-G.
Other names: c.1568A>C, p.Asp523Ala (NM_001285439.2, NM_001438007.1, NM_001438248.1); c.713A>C, p.Asp238Ala (NM_001285440.2); c.1520A>C, p.Asp507Ala (NM_001438049.1, NM_001438246.1, NM_001438247.1 and 1 more transcripts); short protein forms D507A, D238A, D523A.
Identifiers: ClinVar variation 4766996 (VCV004766996.1).

ClinVar aggregate classification (germline): Uncertain significance (1 of 4 stars; one submission).

gnomAD v4.1: 1 of 1,477,164 alleles (0.000068%); highest among the groups gnomAD compares: Admixed American, 0.002%; no homozygotes.

Submission:

Labcorp Genetics (formerly Invitae), Labcorp
Classification: Uncertain significance. Last evaluated: 2025-04-16. Review status: criteria provided, single submitter. Criteria: Invitae Variant Classification Sherloc (09022015). Collection method: clinical testing. Allele origin: germline.
Comment: This sequence change replaces aspartic acid, which is acidic and polar, with alanine, which is neutral and non-polar, at codon 523 of the RICTOR protein (p.Asp523Ala). This variant is present in population databases (rs747168889, gnomAD 0.004%). This variant has not been reported in the literature in individuals affected with RICTOR-related conditions. An algorithm developed to predict the effect of missense changes on protein structure and function (PolyPhen-2) suggests that this variant is likely to be disruptive. In summary, the available evidence is currently insufficient to determine the role of this variant in disease. Therefore, it has been classified as a Variant of Uncertain Significance.